The following is an entry in ClinVar:

ClinVar aggregate classification (germline): Conflicting classifications of pathogenicity. Review status: criteria provided, conflicting classifications (1 of 4 stars). 3 submissions from 3 submitters: Uncertain significance (2); Likely benign (1). Last evaluated 2026-01-06.

Conditions:
Kabuki syndrome. Also called: NIIKAWA-KUROKI SYNDROME; Kabuki make-up syndrome. Identifiers: Orphanet 2322, MedGen C0796004, MONDO:0016512.

Allele frequency attached by ClinVar (database versions not stated): ExAC 0.00001; gnomAD exomes 0.00002 and 0.00004; TOPMed 0.00004; gnomAD 0.00006 and 0.00007.
gnomAD v4.1: 36 of 1,612,800 alleles (0.0022%); highest among the groups gnomAD compares: Admixed American, 0.022%; no homozygotes.

Submissions (3):

Labcorp Genetics (formerly Invitae), Labcorp
Classification: Likely benign for Kabuki syndrome. Last evaluated: 2026-01-06. Review status: criteria provided, single submitter. Criteria: Invitae Variant Classification Sherloc (09022015). Collection method: clinical testing. Allele origin: germline.

GeneDx
Classification: Uncertain significance. Last evaluated: 2024-05-18. Review status: criteria provided, single submitter. Criteria: GeneDx Variant Classification Process June 2021. Collection method: clinical testing. Allele origin: germline. Affected: yes.
Comment: In silico analysis supports that this missense variant has a deleterious effect on protein structure/function; Has not been previously published as pathogenic or benign to our knowledge

Eurofins Ntd Llc (ga)
Classification: Uncertain significance. Last evaluated: 2016-05-25. Review status: criteria provided, single submitter. Criteria: EGL Classification Definitions 2015. Collection method: clinical testing. Allele origin: germline. Observed: 2 variant alleles, 2 heterozygotes.

NM_003482.4(KMT2D):c.7201C>T (p.Arg2401Cys)

Gene: KMT2D (lysine methyltransferase 2D; minus strand). Cytogenetic location: 12q13.12.
Variant type: single nucleotide variant.
Coding change: c.7201C>T on transcript NM_003482.4 (MANE Select); coding-DNA position 7201, C replaced by T.
Protein change: p.Arg2401Cys; replaces arginine 2401 with cysteine.
Molecular consequence: missense variant.
Genome position (GRCh38, 1-based): chr12:49,040,569, G>A on the plus strand (C>T on the coding strand, the complement: KMT2D is on the minus strand). VCF-style: chr12-49040569-G-A. GRCh37 (hg19) VCF-style: chr12-49434352-G-A.
Other names: c.7201C>T (NM_003482.3); short protein forms R2401C.
Identifiers: ClinVar variation 196685 (VCV000196685.10), dbSNP rs748969699, ClinGen allele CA243751.